The following is an entry in ClinVar:

NM_000051.4(ATM):c.3648del (p.Leu1217fs)

Gene: ATM (ATM serine/threonine kinase; plus strand). Cytogenetic location: 11q22.3.
Variant type: Deletion.
Coding change: c.3648del on transcript NM_000051.4 (MANE Select); coding-DNA position 3648, one base deleted (T; older notation c.3648delT).
Protein change: p.Leu1217fs; shifts the reading frame from leucine 1217.
Molecular consequence: frameshift variant.
Genome position (GRCh38, 1-based): chr11:108,282,781, T deleted. VCF-style (leftmost placement, unchanged base first): chr11-108282780-AT-A. GRCh37 (hg19) VCF-style: chr11-108153507-AT-A.
Other names: c.3648del, p.Leu1217fs (NM_001351834.2); c.3648delT (NM_000051.3); short protein forms L1217fs.
Identifiers: ClinVar variation 1452084 (VCV001452084.7), dbSNP rs2135688794, ClinGen allele CA2573146583.
Genomic context (GRCh38, chr11:108,282,780, plus strand): 5'-AAGTTTCTGAAACTTTTGGATATAGACGTTTAGAAGACTTTATGGCATCTCATTTAGATT[AT>A]CTGGTTTTGGAATGGCTAAATCTTCAAGATACTGAATACAACTTATCTTCTTTTCCTTTT-3'

ClinVar aggregate classification (germline): Pathogenic. Review status: criteria provided, multiple submitters, no conflicts (2 of 4 stars). 2 submissions from 2 submitters: Pathogenic (2). Last evaluated 2025-02-07.

Conditions:
Ataxia-telangiectasia syndrome (AT). Also called: Ataxia-telangiectasia; LOUIS-BAR SYNDROME; AT, COMPLEMENTATION GROUP C; Ataxia-telangiectasia, complementation group E; Ataxia telangiectasia (A-T); Cerebello-oculocutaneous telangiectasia. Identifiers: Orphanet 100, MedGen C0004135, MONDO:0008840, OMIM 208900.
Hereditary cancer-predisposing syndrome. Also called: Tumor predisposition; Hereditary neoplastic syndrome; Hereditary Cancer Syndrome; Neoplastic Syndromes, Hereditary. Identifiers: Orphanet 140162, MedGen C0027672, MeSH D009386, MONDO:0015356.

Submissions (2):

Ambry Genetics
Classification: Pathogenic for Hereditary cancer-predisposing syndrome. Last evaluated: 2025-02-07. Review status: criteria provided, single submitter. Criteria: Ambry Variant Classification Scheme 2023. Collection method: clinical testing. Allele origin: germline.
Comment: The c.3648delT pathogenic mutation, located in coding exon 24 of the ATM gene, results from a deletion of one nucleotide at nucleotide position 3648, causing a translational frameshift with a predicted alternate stop codon (p.L1217Wfs*6). This alteration is expected to result in loss of function by premature protein truncation or nonsense-mediated mRNA decay. As such, this alteration is interpreted as a disease-causing mutation.

Labcorp Genetics (formerly Invitae), Labcorp
Classification: Pathogenic for Ataxia-telangiectasia syndrome. Last evaluated: 2024-07-30. Review status: criteria provided, single submitter. Criteria: Invitae Variant Classification Sherloc (09022015). Collection method: clinical testing. Allele origin: germline.
Comment: This sequence change creates a premature translational stop signal (p.Leu1217Trpfs*6) in the ATM gene. It is expected to result in an absent or disrupted protein product. Loss-of-function variants in ATM are known to be pathogenic (PMID: 23807571, 25614872). This variant is not present in population databases (gnomAD no frequency). This variant has not been reported in the literature in individuals affected with ATM-related conditions. ClinVar contains an entry for this variant (Variation ID: 1452084). For these reasons, this variant has been classified as Pathogenic.

Literature cited by the submitters: PubMed 23807571 (cited by Labcorp Genetics (formerly Invitae), Labcorp); PubMed 25614872 (cited by Labcorp Genetics (formerly Invitae), Labcorp).